The following is an entry in ClinVar:

ClinVar aggregate classification (germline): Uncertain significance (1 of 4 stars; one submission).

Allele frequency attached by ClinVar (database versions not stated): 1000 Genomes Project 30x 0.00016; 1000 Genomes Project 0.00020.
gnomAD v4.1: 37 of 1,605,502 alleles (0.0023%); highest among the groups gnomAD compares: South Asian, 0.035%; 1 homozygote.

Submission:

Labcorp Genetics (formerly Invitae), Labcorp
Classification: Uncertain significance. Last evaluated: 2024-04-22. Review status: criteria provided, single submitter. Criteria: Invitae Variant Classification Sherloc (09022015). Collection method: clinical testing. Allele origin: germline.
Comment: This sequence change falls in intron 3 of the MTHFD1 gene. It does not directly change the encoded amino acid sequence of the MTHFD1 protein. This variant is present in population databases (rs528851043, gnomAD 0.05%). This variant has not been reported in the literature in individuals affected with MTHFD1-related conditions. ClinVar contains an entry for this variant (Variation ID: 1479054). Algorithms developed to predict the effect of sequence changes on RNA splicing suggest that this variant may disrupt the consensus splice site. In summary, the available evidence is currently insufficient to determine the role of this variant in disease. Therefore, it has been classified as a Variant of Uncertain Significance.

NM_005956.4(MTHFD1):c.187-15A>G

Gene: MTHFD1 (methylenetetrahydrofolate dehydrogenase, cyclohydrolase and formyltetrahydrofolate synthetase 1; plus strand). Cytogenetic location: 14q23.3.
Variant type: single nucleotide variant.
Coding change: c.187-15A>G on transcript NM_005956.4 (MANE Select); 15 bases into the intron before coding-DNA position 187, A replaced by G.
Molecular consequence: intron variant.
Genome position (GRCh38, 1-based): chr14:64,412,457, A>G. VCF-style: chr14-64412457-A-G. GRCh37 (hg19) VCF-style: chr14-64879175-A-G.
Other names: c.187-15A>G (NM_001364837.1).
Identifiers: ClinVar variation 1479054 (VCV001479054.5), dbSNP rs528851043, ClinGen allele CA7225868.